The following is an entry in ClinVar:

NM_001350451.2(RBFOX3):c.260T>C (p.Leu87Pro)

Gene: RBFOX3 (RNA binding fox-1 homolog 3; minus strand). Cytogenetic location: 17q25.3.
Variant type: single nucleotide variant.
Coding change: c.260T>C on transcript NM_001350451.2 (MANE Select); coding-DNA position 260, T replaced by C.
Protein change: p.Leu87Pro; replaces leucine 87 with proline.
Molecular consequence: missense variant.
Genome position (GRCh38, 1-based): chr17:79,106,751, A>G on the plus strand (T>C on the coding strand, the complement: RBFOX3 is on the minus strand). VCF-style: chr17-79106751-A-G. GRCh37 (hg19) VCF-style: chr17-77102833-A-G.
Other names: c.260T>C, p.Leu87Pro (NM_001082575.3, NM_001350453.2, NM_001385804.1 and 36 more transcripts); c.257T>C, p.Leu86Pro (NM_001385806.1, NM_001385822.1, NM_001385823.1 and 4 more transcripts); short protein forms L87P, L86P.
Identifiers: ClinVar variation 4766412 (VCV004766412.1).

ClinVar aggregate classification (germline): Uncertain significance (1 of 4 stars; one submission).

Conditions:
Idiopathic generalized epilepsy. Also called: EIG; Generalised epilepsy. Identifiers: MedGen C0270850, MONDO:0005579, OMIM 600669.

Submission:

Labcorp Genetics (formerly Invitae), Labcorp
Classification: Uncertain significance for Idiopathic generalized epilepsy. Last evaluated: 2025-06-14. Review status: criteria provided, single submitter. Criteria: Invitae Variant Classification Sherloc (09022015). Collection method: clinical testing. Allele origin: germline.
Comment: This sequence change replaces leucine, which is neutral and non-polar, with proline, which is neutral and non-polar, at codon 87 of the RBFOX3 protein (p.Leu87Pro). This variant is not present in population databases (gnomAD no frequency). This variant has not been reported in the literature in individuals affected with RBFOX3-related conditions. Invitae Evidence Modeling of protein sequence and biophysical properties (such as structural, functional, and spatial information, amino acid conservation, physicochemical variation, residue mobility, and thermodynamic stability) indicates that this missense variant is not expected to disrupt RBFOX3 protein function with a negative predictive value of 80%. In summary, the available evidence is currently insufficient to determine the role of this variant in disease. Therefore, it has been classified as a Variant of Uncertain Significance.